The following is an entry in ClinVar:

ClinVar aggregate classification (germline): Uncertain significance (1 of 4 stars; one submission).

Submission:

Labcorp Genetics (formerly Invitae), Labcorp
Classification: Uncertain significance. Last evaluated: 2022-03-29. Review status: criteria provided, single submitter. Criteria: Invitae Variant Classification Sherloc (09022015). Collection method: clinical testing. Allele origin: germline.
Comment: In summary, the available evidence is currently insufficient to determine the role of this variant in disease. Therefore, it has been classified as a Variant of Uncertain Significance. Algorithms developed to predict the effect of missense changes on protein structure and function (SIFT, PolyPhen-2, Align-GVGD) all suggest that this variant is likely to be tolerated. This sequence change replaces phenylalanine, which is neutral and non-polar, with leucine, which is neutral and non-polar, at codon 342 of the ERCC8 protein (p.Phe342Leu). This variant is not present in population databases (gnomAD no frequency). This variant has not been reported in the literature in individuals affected with ERCC8-related conditions.

NM_000082.4(ERCC8):c.1024T>C (p.Phe342Leu)

Gene: ERCC8 (ERCC excision repair 8, CSA ubiquitin ligase complex subunit; minus strand). Cytogenetic location: 5q12.1.
Variant type: single nucleotide variant.
Coding change: c.1024T>C on transcript NM_000082.4 (MANE Select); coding-DNA position 1024, T replaced by C.
Protein change: p.Phe342Leu; replaces phenylalanine 342 with leucine.
Molecular consequence: missense variant.
Genome position (GRCh38, 1-based): chr5:60,890,906, A>G on the plus strand (T>C on the coding strand, the complement: ERCC8 is on the minus strand). VCF-style: chr5-60890906-A-G. GRCh37 (hg19) VCF-style: chr5-60186733-A-G.
Other names: c.850T>C, p.Phe284Leu (NM_001007233.3); c.565T>C, p.Phe189Leu (NM_001290285.2); short protein forms F284L, F189L, F342L.
Identifiers: ClinVar variation 2119157 (VCV002119157.4), dbSNP rs2531769949, ClinGen allele CA359823047.